The following is an entry in ClinVar:

NM_001387430.1(SH2B1):c.196C>T (p.Arg66Cys)

Gene: SH2B1 (SH2B adaptor protein 1; plus strand). Cytogenetic location: 16p11.2.
Variant type: single nucleotide variant.
Coding change: c.196C>T on transcript NM_001387430.1 (MANE Select); coding-DNA position 196, C replaced by T.
Protein change: p.Arg66Cys; replaces arginine 66 with cysteine.
Molecular consequence: missense variant. On other transcripts: intron variant (1).
Genome position (GRCh38, 1-based): chr16:28,866,290, C>T. VCF-style: chr16-28866290-C-T. GRCh37 (hg19) VCF-style: chr16-28877611-C-T.
Other names: c.196C>T, p.Arg66Cys (NM_001145795.2, NM_001145796.2, NM_001145797.2 and 4 more transcripts); c.-26-1084C>T (NM_001308294.2); short protein forms R66C.
Identifiers: ClinVar variation 3357589 (VCV003357589.1).

ClinVar aggregate classification (germline): Uncertain significance (0 of 4 stars; one submission).

Conditions:
SH2B1-related disorder. Also called: SH2B1-related condition.

Submission:

PreventionGenetics, part of Exact Sciences
Classification: Uncertain significance for SH2B1-related condition. Last evaluated: 2024-05-28. Review status: no assertion criteria provided. Collection method: clinical testing. Allele origin: germline.
Comment: The SH2B1 c.196C>T variant is predicted to result in the amino acid substitution p.Arg66Cys. To our knowledge, this variant has not been reported in the literature. This variant is reported in 0.0088% of alleles in individuals of Latino descent in gnomAD. At this time, the clinical significance of this variant is uncertain due to the absence of conclusive functional and genetic evidence.